The following is an entry in ClinVar:

ClinVar aggregate classification (germline): Uncertain significance (1 of 4 stars; one submission).

Conditions:
Mucopolysaccharidosis, MPS-IV-A (MPS4A). Also called: Morquio syndrome A, mild; MORQUIO SYNDROME A; GALACTOSAMINE-6-SULFATASE DEFICIENCY; GALNS DEFICIENCY; MORQUIO A DISEASE; Mucopolysaccharidosis type IV A. Identifiers: Orphanet 309297, Orphanet 582, MedGen C0086651, MONDO:0009659, OMIM 253000.

Submission:

Labcorp Genetics (formerly Invitae), Labcorp
Classification: Uncertain significance for Mucopolysaccharidosis, MPS-IV-A. Last evaluated: 2022-01-14. Review status: criteria provided, single submitter. Criteria: Invitae Variant Classification Sherloc (09022015). Collection method: clinical testing. Allele origin: germline.
Comment: In summary, the available evidence is currently insufficient to determine the role of this variant in disease. Therefore, it has been classified as a Variant of Uncertain Significance. Advanced modeling of protein sequence and biophysical properties (such as structural, functional, and spatial information, amino acid conservation, physicochemical variation, residue mobility, and thermodynamic stability) performed at Invitae indicates that this missense variant is expected to disrupt GALNS protein function. This variant has not been reported in the literature in individuals affected with GALNS-related conditions. This variant is not present in population databases (gnomAD no frequency). This sequence change replaces phenylalanine, which is neutral and non-polar, with cysteine, which is neutral and slightly polar, at codon 149 of the GALNS protein (p.Phe149Cys).

NM_000512.5(GALNS):c.446T>G (p.Phe149Cys)

Gene: GALNS (galactosamine (N-acetyl)-6-sulfatase; minus strand). Cytogenetic location: 16q24.3.
Variant type: single nucleotide variant.
Coding change: c.446T>G on transcript NM_000512.5 (MANE Select); coding-DNA position 446, T replaced by G.
Protein change: p.Phe149Cys; replaces phenylalanine 149 with cysteine.
Molecular consequence: missense variant. On other transcripts: 5 prime UTR variant (1).
Genome position (GRCh38, 1-based): chr16:88,837,742, A>C on the plus strand (T>G on the coding strand, the complement: GALNS is on the minus strand). VCF-style: chr16-88837742-A-C. GRCh37 (hg19) VCF-style: chr16-88904150-A-C.
Other names: c.-110T>G (NM_001323543.2); c.464T>G, p.Phe155Cys (NM_001323544.2); short protein forms F155C, F149C.
Identifiers: ClinVar variation 1382764 (VCV001382764.8), dbSNP rs2143002458, ClinGen allele CA397083572.